The following is an entry in ClinVar:

ClinVar aggregate classification (germline): Conflicting classifications of pathogenicity. Review status: criteria provided, conflicting classifications (1 of 4 stars). 5 submissions from 5 submitters: Uncertain significance (4); Likely benign (1). Last evaluated 2026-07-02.

Conditions:
ZNF469-related disorder. Also called: ZNF469-related condition.
Cardiovascular phenotype. Identifiers: MedGen CN230736.

Allele frequency attached by ClinVar (database versions not stated): gnomAD exomes below 0.00001; gnomAD 0.00002; TOPMed 0.00002.
gnomAD v4.1: 8 of 1,550,140 alleles (0.00052%); highest among the groups gnomAD compares: Non-Finnish European, 0.0007%; no homozygotes.

Submissions (5):

PreventionGenetics, part of Exact Sciences
Classification: Uncertain significance for ZNF469-related condition. Last evaluated: 2026-07-02. Review status: criteria provided, single submitter. Criteria: ACMG Guidelines, 2015. Collection method: clinical testing. Allele origin: germline.
Comment: The ZNF469 c.5480A>G variant is predicted to result in the amino acid substitution p.Asn1827Ser. To our knowledge, this variant has not been reported in the literature or in a large population database (gnomAD), indicating this variant is rare. At this time, the clinical significance of this variant is uncertain due to the absence of conclusive functional and genetic evidence.

Women's Health and Genetics/Laboratory Corporation of America, LabCorp
Classification: Uncertain significance. Last evaluated: 2026-06-15. Review status: criteria provided, single submitter. Criteria: LabCorp Variant Classification Summary - May 2015. Collection method: clinical testing. Allele origin: germline.

Labcorp Genetics (formerly Invitae), Labcorp
Classification: Uncertain significance. Last evaluated: 2023-03-31. Review status: criteria provided, single submitter. Criteria: Invitae Variant Classification Sherloc (09022015). Collection method: clinical testing. Allele origin: germline.
Comment: In summary, the available evidence is currently insufficient to determine the role of this variant in disease. Therefore, it has been classified as a Variant of Uncertain Significance. Algorithms developed to predict the effect of missense changes on protein structure and function output the following: SIFT: "Not Available"; PolyPhen-2: "Benign"; Align-GVGD: "Not Available". The serine amino acid residue is found in multiple mammalian species, which suggests that this missense change does not adversely affect protein function. ClinVar contains an entry for this variant (Variation ID: 1212485). This variant has not been reported in the literature in individuals affected with ZNF469-related conditions. This variant is not present in population databases (gnomAD no frequency). This sequence change replaces asparagine, which is neutral and polar, with serine, which is neutral and polar, at codon 1827 of the ZNF469 protein (p.Asn1827Ser).

Ambry Genetics
Classification: Likely benign for Cardiovascular phenotype. Last evaluated: 2021-06-12. Review status: criteria provided, single submitter. Criteria: Ambry Variant Classification Scheme 2023. Collection method: clinical testing. Allele origin: germline.

GeneDx
Classification: Uncertain significance. Last evaluated: 2019-05-17. Review status: criteria provided, single submitter. Criteria: GeneDx Variant Classification Process June 2021. Collection method: clinical testing. Allele origin: germline. Affected: yes.

NM_001367624.2(ZNF469):c.5564A>G (p.Asn1855Ser)

Gene: ZNF469 (zinc finger protein 469; plus strand). Cytogenetic location: 16q24.2.
Variant type: single nucleotide variant.
Coding change: c.5564A>G on transcript NM_001367624.2 (MANE Select); coding-DNA position 5564, A replaced by G.
Protein change: p.Asn1855Ser; replaces asparagine 1855 with serine.
Molecular consequence: missense variant.
Genome position (GRCh38, 1-based): chr16:88,433,034, A>G. VCF-style: chr16-88433034-A-G. GRCh37 (hg19) VCF-style: chr16-88499442-A-G.
Other names: NM_001127464.1:c.5480A>G; NM_001127464.2:c.5480A>G; short protein forms N1855S.
Identifiers: ClinVar variation 1212485 (VCV001212485.8), dbSNP rs1196406851, ClinGen allele CA397101558.